The following is an entry in ClinVar:

NM_001127222.2(CACNA1A):c.3698G>A (p.Arg1233His)

Gene: CACNA1A (calcium voltage-gated channel subunit alpha1 A; minus strand). Cytogenetic location: 19p13.13.
Variant type: single nucleotide variant.
Coding change: c.3698G>A on transcript NM_001127222.2 (MANE Select); coding-DNA position 3698, G replaced by A.
Protein change: p.Arg1233His; replaces arginine 1233 with histidine.
Molecular consequence: missense variant.
Genome position (GRCh38, 1-based): chr19:13,283,391, C>T on the plus strand (G>A on the coding strand, the complement: CACNA1A is on the minus strand). VCF-style: chr19-13283391-C-T. GRCh37 (hg19) VCF-style: chr19-13394205-C-T.
Other names: c.3710G>A, p.Arg1237His (NM_000068.4, NM_023035.3); c.3701G>A, p.Arg1234His (NM_001127221.2, NM_001174080.2); short protein forms R1233H, R1234H, R1237H.
Identifiers: ClinVar variation 2505857 (VCV002505857.1), dbSNP rs2057332966, ClinGen allele CA404340799.

ClinVar aggregate classification (germline): Uncertain significance (1 of 4 stars; one submission).

Allele frequency attached by ClinVar (database versions not stated): gnomAD exomes below 0.00001; gnomAD 0.00001.
gnomAD v4.1: 2 of 1,613,706 alleles (0.00012%); highest among the groups gnomAD compares: Non-Finnish European, 0.000085%; no homozygotes.

Submission:

GeneDx
Classification: Uncertain significance. Last evaluated: 2022-12-16. Review status: criteria provided, single submitter. Criteria: GeneDx Variant Classification Process June 2021. Collection method: clinical testing. Allele origin: germline. Affected: yes.
Comment: Not observed at significant frequency in large population cohorts (gnomAD); In silico analysis supports that this missense variant has a deleterious effect on protein structure/function; Has not been previously published as pathogenic or benign to our knowledge